The following is an entry in ClinVar:

NM_006659.4(TUBGCP2):c.1101_1102del (p.Asp369fs)

Gene: TUBGCP2 (tubulin gamma complex component 2; minus strand). Cytogenetic location: 10q26.3.
Variant type: Deletion.
Coding change: c.1101_1102del on transcript NM_006659.4 (MANE Select); coding-DNA positions 1101 to 1102, 2 bases deleted (AG; older notation c.1101_1102delAG).
Protein change: p.Asp369fs; shifts the reading frame from aspartic acid 369.
Molecular consequence: frameshift variant. On other transcripts: non-coding transcript variant (1).
Genome position (GRCh38, 1-based): chr10:133,292,611-133,292,612, CT deleted on the plus strand (AG on the coding strand, the reverse complement: TUBGCP2 is on the minus strand). VCF-style (leftmost placement, unchanged base first): chr10-133292610-CCT-C. GRCh37 (hg19) VCF-style: chr10-135106114-CCT-C.
Other names: c.1185_1186del (NM_001256617.1); c.1185_1186del, p.Asp397fs (NM_001256617.2); c.711_712del, p.Asp239fs (NM_001256618.2); short protein forms D239fs, D369fs, D397fs.
Identifiers: ClinVar variation 1335054 (VCV001335054.37), dbSNP rs748286228, ClinGen allele CA5764248.
Genomic context (GRCh38, chr10:133,292,610, plus strand): 5'-AAGTAGGGAGCACTGGCCGCCTTGGTTAGGTACAGGCATAGCTCCTGCGCCTGGCTGTCC[CCT>C]GTGTAGCTGAAGCTCCTGTCGTGGAGCAGGCTCAGCGTGGACCCCCCAAGACATTCGCCT-3'

ClinVar aggregate classification (germline): Conflicting classifications of pathogenicity. Review status: criteria provided, conflicting classifications (1 of 4 stars). 3 submissions from 3 submitters: Pathogenic (1); Likely pathogenic (1); Uncertain significance (1). Last evaluated 2024-12-02.

Conditions:
Pachygyria, microcephaly, developmental delay, and dysmorphic facies, with or without seizures. Also called: CORTICAL DYSPLASIA, COMPLEX, WITH OTHER BRAIN MALFORMATIONS 15. Identifiers: MedGen C5231486, MONDO:0032893, OMIM 618737.

Allele frequency attached by ClinVar (database versions not stated): gnomAD 0.00002 and 0.00003; gnomAD exomes 0.00002 and 0.00007; ExAC 0.00003; TOPMed 0.00008.

Submissions (3):

Victorian Clinical Genetics Services, Murdoch Childrens Research Institute
Classification: Likely pathogenic for Pachygyria, microcephaly, developmental delay, and dysmorphic facies, with or without seizures. Last evaluated: 2024-12-02. Review status: criteria provided, single submitter. Criteria: ACMG Guidelines, 2015. Collection method: clinical testing. Allele origin: germline. Affected: yes.
Comment: This variant is classified as Likely pathogenic. Evidence in support of pathogenic classification: Variant is predicted to cause nonsense-mediated decay (NMD) and loss of protein (premature termination codon is located at least 54 nucleotides upstream of the final exon-exon junction); Variant is present in gnomAD <0.01 for a recessive condition (v4: 108 heterozygote(s), 0 homozygote(s)). Additional information: This variant is heterozygous; This gene is associated with autosomal recessive disease; Previous reports of pathogenicity for this variant are conflicting. This variant has been classified once as a VUS and once as pathogenic by clinical laboratories (ClinVar); No published segregation evidence has been identified for this variant; No published functional evidence has been identified for this variant; No comparable premature termination variants have previous evidence for pathogenicity; Loss of function is a known mechanism of disease in this gene and is associated with pachygyria, microcephaly, developmental delay, and dysmorphic facies, with or without seizures (MIM#618737); Variants in this gene are known to have variable expressivity (OMIM); Heterozygous variant detected in trans with a second LIKELY PATHOGENIC heterozygous variant (NM_006659.4(TUBGCP2):c.889C>T; p.(Arg297Cys)) in a recessive disease.

GeneDx
Classification: Uncertain significance. Last evaluated: 2023-12-14. Review status: criteria provided, single submitter. Criteria: GeneDx Variant Classification Process June 2021. Collection method: clinical testing. Allele origin: germline. Affected: yes.
Comment: Frameshift variant predicted to result in protein truncation or nonsense mediated decay in a gene or region of a gene for which loss of function is not a well-established mechanism of disease; Has not been previously published as pathogenic or benign to our knowledge

CeGaT Center for Human Genetics Tuebingen
Classification: Pathogenic. Last evaluated: 2021-11-01. Review status: criteria provided, single submitter. Criteria: CeGaT Center For Human Genetics Tuebingen Variant Classification Criteria Version 2. Collection method: clinical testing. Allele origin: germline. Affected: yes. Observed: 1 variant allele.